The following is an entry in ClinVar:

NM_001429.4(EP300):c.3807-4T>G

Gene: EP300 (E1A binding protein p300; plus strand). Cytogenetic location: 22q13.2.
Variant type: single nucleotide variant.
Coding change: c.3807-4T>G on transcript NM_001429.4 (MANE Select); 4 bases into the intron before coding-DNA position 3807, T replaced by G.
Molecular consequence: intron variant.
Genome position (GRCh38, 1-based): chr22:41,166,595, T>G. VCF-style: chr22-41166595-T-G. GRCh37 (hg19) VCF-style: chr22-41562599-T-G.
Other names: c.3729-4T>G (NM_001362843.2).
Identifiers: ClinVar variation 1338140 (VCV001338140.4), dbSNP rs1337278789, ClinGen allele CA753230187.

ClinVar aggregate classification (germline): Uncertain significance (1 of 4 stars; one submission).

Allele frequency attached by ClinVar (database versions not stated): TOPMed below 0.00001.

Submission:

Genetic Services Laboratory, University of Chicago
Classification: Uncertain significance. Last evaluated: 2021-11-19. Review status: criteria provided, single submitter. Criteria: ACMG Guidelines, 2015. Collection method: clinical testing. Allele origin: germline. Affected: no.
Comment: DNA sequence analysis of the EP300 gene demonstrated a sequence change in intron 22, c.3807-4T>G. This change does not appear to have been previously described in individuals with EP300-related disorders and has also not been described in population databases such as ExAC and gnomAD. This sequence change is not predicted to have a deleterious effect on splicing based on in-silico splice prediction programs. It is possible that this sequence change represents a benign sequence change in the EP300 gene that has not been identified to date. The functional significance of this sequence change is not known at present and its contribution to this individual's disease phenotype cannot definitively be determined